The following is an entry in ClinVar:

ClinVar aggregate classification (germline): Uncertain significance (1 of 4 stars; one submission).

gnomAD v4.1: 7 of 1,613,976 alleles (0.00043%); highest among the groups gnomAD compares: Non-Finnish European, 0.00059%; no homozygotes.

Submission:

GeneDx
Classification: Uncertain significance. Last evaluated: 2019-08-27. Review status: criteria provided, single submitter. Criteria: GeneDx Variant Classification Process June 2021. Collection method: clinical testing. Allele origin: germline. Affected: yes.
Comment: Not observed in large population cohorts (Lek et al., 2016); The majority of missense variants in this gene are considered pathogenic (Stenson et al., 2014); In silico analysis, which includes protein predictors and evolutionary conservation, supports that this variant does not alter protein structure/function; Has not been previously published as pathogenic or benign to our knowledge

NM_058246.4(DNAJB6):c.192C>G (p.Ile64Met)

Gene: DNAJB6 (DnaJ heat shock protein family (Hsp40) member B6; plus strand). Cytogenetic location: 7q36.3.
Variant type: single nucleotide variant.
Coding change: c.192C>G on transcript NM_058246.4 (MANE Select); coding-DNA position 192, C replaced by G.
Protein change: p.Ile64Met; replaces isoleucine 64 with methionine.
Molecular consequence: missense variant.
Genome position (GRCh38, 1-based): chr7:157,366,518, C>G. VCF-style: chr7-157366518-C-G. GRCh37 (hg19) VCF-style: chr7-157159212-C-G.
Other names: c.192C>G, p.Ile64Met (NM_001363676.1, NM_005494.3); short protein forms I64M.
Identifiers: ClinVar variation 1308170 (VCV001308170.2), dbSNP rs1799853169, ClinGen allele CA370165912.